The following is an entry in ClinVar:

ClinVar aggregate classification (germline): Uncertain significance. Review status: criteria provided, multiple submitters, no conflicts (2 of 4 stars). 2 submissions from 2 submitters: Uncertain significance (2). Last evaluated 2024-04-22.

Conditions:
Hereditary cancer-predisposing syndrome. Also called: Neoplastic Syndromes, Hereditary; Tumor predisposition; Hereditary Cancer Syndrome; Hereditary neoplastic syndrome. Identifiers: Orphanet 140162, MedGen C0027672, MeSH D009386, MONDO:0015356.

Allele frequency attached by ClinVar (database versions not stated): TOPMed below 0.00001.

Submissions (2):

Labcorp Genetics (formerly Invitae), Labcorp
Classification: Uncertain significance for Hereditary cancer-predisposing syndrome. Last evaluated: 2024-04-22. Review status: criteria provided, single submitter. Criteria: Invitae Variant Classification Sherloc (09022015). Collection method: clinical testing. Allele origin: germline.
Comment: This sequence change replaces histidine, which is basic and polar, with leucine, which is neutral and non-polar, at codon 363 of the RAD50 protein (p.His363Leu). This variant is not present in population databases (gnomAD no frequency). This variant has not been reported in the literature in individuals affected with RAD50-related conditions. ClinVar contains an entry for this variant (Variation ID: 230891). Advanced modeling of protein sequence and biophysical properties (such as structural, functional, and spatial information, amino acid conservation, physicochemical variation, residue mobility, and thermodynamic stability) performed at Invitae indicates that this missense variant is not expected to disrupt RAD50 protein function with a negative predictive value of 80%. In summary, the available evidence is currently insufficient to determine the role of this variant in disease. Therefore, it has been classified as a Variant of Uncertain Significance.

Ambry Genetics
Classification: Uncertain significance for Hereditary cancer-predisposing syndrome. Last evaluated: 2015-03-19. Review status: criteria provided, single submitter. Criteria: Ambry Variant Classification Scheme 2023. Collection method: clinical testing. Allele origin: germline.
Comment: The p.H363L variant (also known as c.1088A>T), located in coding exon 8 of the RAD50 gene, results from an A to T substitution at nucleotide position 1088. The histidine at codon 363 is replaced by leucine, an amino acid with similar properties. This variant was not reported in population based cohorts in the following databases: Database of Single Nucleotide Polymorphisms (dbSNP), NHLBI Exome Sequencing Project (ESP), and 1000 Genomes Project. In the ESP, this variant was not observed in 6503 samples (13006 alleles) with coverage at this position. To date, this alteration has been detected with an allele frequency of approximately 0.003% (greater than 41000 alleles tested) in our clinical cohort. This amino acid position is not well conserved in available vertebrate species. In addition, this alteration is predicted to be tolerated by in silico analysis. Since supporting evidence is limited at this time, the clinical significance of p.H363L remains unclear.

NM_005732.4(RAD50):c.1088A>T (p.His363Leu)

Gene: RAD50 (RAD50 double strand break repair protein; plus strand). Cytogenetic location: 5q31.1.
Variant type: single nucleotide variant.
Coding change: c.1088A>T on transcript NM_005732.4 (MANE Select); coding-DNA position 1088, A replaced by T.
Protein change: p.His363Leu; replaces histidine 363 with leucine.
Molecular consequence: missense variant.
Genome position (GRCh38, 1-based): chr5:132,588,723, A>T. VCF-style: chr5-132588723-A-T. GRCh37 (hg19) VCF-style: chr5-131924415-A-T.
Other names: short protein forms H363L.
Identifiers: ClinVar variation 230891 (VCV000230891.13), dbSNP rs143654104, ClinGen allele CA10578513.